The following is an entry in ClinVar:

ClinVar aggregate classification (germline): Uncertain significance. Review status: criteria provided, multiple submitters, no conflicts (2 of 4 stars). 2 submissions from 2 submitters: Uncertain significance (2). Last evaluated 2021-12-17.

Conditions:
Joubert syndrome. Also called: CEREBELLOPARENCHYMAL DISORDER IV; JOUBERT-BOLTSHAUSER SYNDROME; Familial aplasia of the vermis. Identifiers: Orphanet 475, MedGen C5979921, MONDO:0018772.
Meckel-Gruber syndrome. Also called: DYSENCEPHALIA SPLANCHNOCYSTICA; GRUBER SYNDROME; Dysencephalia splachnocystica. Identifiers: Orphanet 564, MedGen C0265215, MONDO:0018921.
Inborn genetic diseases. Identifiers: MedGen C0950123, MeSH D030342.

Allele frequency attached by ClinVar (database versions not stated): TOPMed below 0.00001.

Submissions (2):

Ambry Genetics
Classification: Uncertain significance for Inborn genetic diseases. Last evaluated: 2021-12-17. Review status: criteria provided, single submitter. Criteria: Ambry Variant Classification Scheme 2023. Collection method: clinical testing. Allele origin: germline.

Labcorp Genetics (formerly Invitae), Labcorp
Classification: Uncertain significance for Joubert syndrome; Meckel-Gruber syndrome. Last evaluated: 2021-04-06. Review status: criteria provided, single submitter. Criteria: Invitae Variant Classification Sherloc (09022015). Collection method: clinical testing. Allele origin: germline.
Comment: This sequence change replaces isoleucine with methionine at codon 96 of the TMEM67 protein (p.Ile96Met). The isoleucine residue is weakly conserved and there is a small physicochemical difference between isoleucine and methionine. This variant is not present in population databases (ExAC no frequency). This variant has not been reported in the literature in individuals with TMEM67-related conditions. Advanced modeling of protein sequence and biophysical properties (such as structural, functional, and spatial information, amino acid conservation, physicochemical variation, residue mobility, and thermodynamic stability) performed at Invitae indicates that this missense variant is not expected to disrupt TMEM67 protein function. In summary, the available evidence is currently insufficient to determine the role of this variant in disease. Therefore, it has been classified as a Variant of Uncertain Significance.

NM_153704.6(TMEM67):c.288T>G (p.Ile96Met)

Gene: TMEM67 (transmembrane protein 67; plus strand). Cytogenetic location: 8q22.1.
Variant type: single nucleotide variant.
Coding change: c.288T>G on transcript NM_153704.6 (MANE Select); coding-DNA position 288, T replaced by G.
Protein change: p.Ile96Met; replaces isoleucine 96 with methionine.
Molecular consequence: missense variant. On other transcripts: non-coding transcript variant (1), intron variant (1).
Genome position (GRCh38, 1-based): chr8:93,755,842, T>G. VCF-style: chr8-93755842-T-G. GRCh37 (hg19) VCF-style: chr8-94768070-T-G.
Other names: c.288T>G (NM_153704.5); c.-62+705T>G (NM_001142301.1); short protein forms I96M.
Identifiers: ClinVar variation 1355350 (VCV001355350.9), dbSNP rs1812547985, ClinGen allele CA371685657.